The following is an entry in ClinVar:

NM_003628.6(PKP4):c.3557G>C (p.Gly1186Ala)

Genes: PKP4 (plakophilin 4; plus strand), PKP4-AS1 (PKP4 antisense RNA 1; minus strand). Cytogenetic location: 2q24.1.
Variant type: single nucleotide variant.
Coding change: c.3557G>C on transcript NM_003628.6 (MANE Select); coding-DNA position 3557, G replaced by C.
Protein change: p.Gly1186Ala; replaces glycine 1186 with alanine.
Molecular consequence: missense variant.
Genome position (GRCh38, 1-based): chr2:158,680,655, G>C. VCF-style: chr2-158680655-G-C. GRCh37 (hg19) VCF-style: chr2-159537167-G-C.
Other names: c.3428G>C, p.Gly1143Ala (NM_001005476.4, NM_001377225.1); c.3554G>C, p.Gly1185Ala (NM_001304969.3, NM_001377219.1, NM_001377220.1 and 1 more transcripts); c.2528G>C, p.Gly843Ala (NM_001304970.3); c.3557G>C, p.Gly1186Ala (NM_001377218.1); c.3551G>C, p.Gly1184Ala (NM_001377222.1, NM_001377223.1); c.3548G>C, p.Gly1183Ala (NM_001377224.1); c.3425G>C, p.Gly1142Ala (NM_001377226.1); short protein forms G1185A, G1186A, G843A, G1184A, G1142A, G1143A, G1183A.
Identifiers: ClinVar variation 4568601 (VCV004568601.1).
Genomic context (GRCh38, chr2:158,680,655, plus strand): 5'-CAAATTATGTAGACTTTTATTCCACTAAACGACCTTCTTATAGAGCAGAACAGTACCCAG[G>C]GTCCCCAGACTCATGGGTGTAGCATCAAGATGCCCAACAGAGGAACTCTTTCTTTCTAAC-3'
Protein context (NP_003619.2, residues 1176-1192): RPSYRAEQYP[Gly1186Ala]SPDSWV

ClinVar aggregate classification (germline): Uncertain significance (1 of 4 stars; one submission).

gnomAD v4.1: 7 of 1,613,302 alleles (0.00043%); highest among the groups gnomAD compares: Admixed American, 0.0017%; no homozygotes.

Submission:

Ambry Genetics
Classification: Uncertain significance. Last evaluated: 2025-11-25. Review status: criteria provided, single submitter. Criteria: Ambry Variant Classification Scheme 2023. Collection method: clinical testing. Allele origin: germline.
Comment: The p.G1186A variant (also known as c.3557G>C), located in coding exon 21 of the PKP4 gene, results from a G to C substitution at nucleotide position 3557. The glycine at codon 1186 is replaced by alanine, an amino acid with similar properties. This amino acid position is conserved. In addition, this alteration is predicted to be tolerated by in silico analysis. Based on the available evidence, the clinical significance of this variant remains unclear.